The following is an entry in ClinVar:

ClinVar aggregate classification (germline): Uncertain significance (1 of 4 stars; one submission).

Conditions:
Very long chain acyl-CoA dehydrogenase deficiency (ACADVLD). Also called: Very Long-Chain Acyl-Coenzyme A Dehydrogenase Deficiency; VLCAD Deficiency. Identifiers: Orphanet 26793, MedGen C3887523, MONDO:0008723, OMIM 201475.

gnomAD v4.1: 2 of 1,614,020 alleles (0.00012%); no homozygotes.

Submission:

Labcorp Genetics (formerly Invitae), Labcorp
Classification: Uncertain significance for Very long chain acyl-CoA dehydrogenase deficiency. Last evaluated: 2024-07-22. Review status: criteria provided, single submitter. Criteria: Invitae Variant Classification Sherloc (09022015). Collection method: clinical testing. Allele origin: germline.
Comment: This sequence change replaces glutamic acid, which is acidic and polar, with glutamine, which is neutral and polar, at codon 609 of the ACADVL protein (p.Glu609Gln). This variant is not present in population databases (gnomAD no frequency). This variant has not been reported in the literature in individuals affected with ACADVL-related conditions. ClinVar contains an entry for this variant (Variation ID: 1499081). An algorithm developed to predict the effect of missense changes on protein structure and function (PolyPhen-2) suggests that this variant¬†is likely to be tolerated. In summary, the available evidence is currently insufficient to determine the role of this variant in disease. Therefore, it has been classified as a Variant of Uncertain Significance.

NM_000018.4(ACADVL):c.1825G>C (p.Glu609Gln)

Gene: ACADVL (acyl-CoA dehydrogenase very long chain; plus strand). Cytogenetic location: 17p13.1.
Variant type: single nucleotide variant.
Coding change: c.1825G>C on transcript NM_000018.4 (MANE Select); coding-DNA position 1825, G replaced by C.
Protein change: p.Glu609Gln; replaces glutamic acid 609 with glutamine.
Molecular consequence: missense variant.
Genome position (GRCh38, 1-based): chr17:7,224,882, G>C. VCF-style: chr17-7224882-G-C. GRCh37 (hg19) VCF-style: chr17-7128201-G-C.
Other names: c.1759G>C, p.Glu587Gln (NM_001033859.3); c.1894G>C, p.Glu632Gln (NM_001270447.2); c.1597G>C, p.Glu533Gln (NM_001270448.2); short protein forms E533Q, E632Q, E587Q, E609Q.
Identifiers: ClinVar variation 1499081 (VCV001499081.4), dbSNP rs398123086, ClinGen allele CA397725970.